The following is an entry in ClinVar:

ClinVar aggregate classification (germline): Uncertain significance (1 of 4 stars; one submission).

Submission:

Ambry Genetics
Classification: Uncertain significance. Last evaluated: 2025-08-20. Review status: criteria provided, single submitter. Criteria: Ambry Variant Classification Scheme 2023. Collection method: clinical testing. Allele origin: germline.
Comment: The p.P1847L variant (also known as c.5540C>T), located in coding exon 22 of the WNK2 gene, results from a C to T substitution at nucleotide position 5540. The proline at codon 1847 is replaced by leucine, an amino acid with similar properties. This amino acid position is conserved. In addition, the in silico prediction for this alteration is inconclusive. Based on the available evidence, the clinical significance of this variant remains unclear.

NM_006648.4(WNK2):c.5540C>T (p.Pro1847Leu)

Gene: WNK2 (WNK lysine deficient protein kinase 2; plus strand). Cytogenetic location: 9q22.31.
Variant type: single nucleotide variant.
Coding change: c.5540C>T on transcript NM_006648.4 (MANE Select); coding-DNA position 5540, C replaced by T.
Protein change: p.Pro1847Leu; replaces proline 1847 with leucine.
Molecular consequence: missense variant.
Genome position (GRCh38, 1-based): chr9:93,293,005, C>T. VCF-style: chr9-93293005-C-T. GRCh37 (hg19) VCF-style: chr9-96055287-C-T.
Other names: c.5651C>T, p.Pro1884Leu (NM_001282394.3); short protein forms P1847L, P1884L.
Identifiers: ClinVar variation 4201783 (VCV004201783.1).